The following is an entry in ClinVar:

ClinVar aggregate classification (germline): Uncertain significance (1 of 4 stars; one submission).

Conditions:
Hypertrophic cardiomyopathy 26. Also called: Cardiomyopathy, familial hypertrophic, 26. Identifiers: Orphanet 75249, MedGen C4310749, MONDO:0014883, OMIM 617047.
Myofibrillar myopathy 5. Also called: Filaminopathy (type); FILAMINOPATHY, AUTOSOMAL DOMINANT. Identifiers: Orphanet 171445, MedGen C1836050, MONDO:0012289, OMIM 609524.
Distal myopathy with posterior leg and anterior hand involvement. Also called: WILLIAMS DISTAL MYOPATHY. Identifiers: Orphanet 63273, MedGen C3279722, MONDO:0013550, OMIM 614065.

gnomAD v4.1: 1 of 1,611,132 alleles (0.000062%); highest among the groups gnomAD compares: Admixed American, 0.0017%; no homozygotes.

Submission:

Labcorp Genetics (formerly Invitae), Labcorp
Classification: Uncertain significance for Distal myopathy with posterior leg and anterior hand involvement; Myofibrillar myopathy 5; Hypertrophic cardiomyopathy 26. Last evaluated: 2025-11-24. Review status: criteria provided, single submitter. Criteria: Invitae Variant Classification Sherloc (09022015). Collection method: clinical testing. Allele origin: germline.
Comment: This sequence change replaces threonine, which is neutral and polar, with serine, which is neutral and polar, at codon 2695 of the FLNC protein (p.Thr2695Ser). This variant is present in population databases (no rsID available, gnomAD 0.003%). This variant has not been reported in the literature in individuals affected with FLNC-related conditions. Invitae Evidence Modeling of protein sequence and biophysical properties (such as structural, functional, and spatial information, amino acid conservation, physicochemical variation, residue mobility, and thermodynamic stability) indicates that this missense variant is not expected to disrupt FLNC protein function with a negative predictive value of 95%. In summary, the available evidence is currently insufficient to determine the role of this variant in disease. Therefore, it has been classified as a Variant of Uncertain Significance.

NM_001458.5(FLNC):c.8083A>T (p.Thr2695Ser)

Genes: FLNC (filamin C; plus strand), FLNC-AS1 (FLNC antisense RNA 1; minus strand). Cytogenetic location: 7q32.1.
Variant type: single nucleotide variant.
Coding change: c.8083A>T on transcript NM_001458.5 (MANE Select); coding-DNA position 8083, A replaced by T.
Protein change: p.Thr2695Ser; replaces threonine 2695 with serine.
Molecular consequence: missense variant.
Genome position (GRCh38, 1-based): chr7:128,858,428, A>T. VCF-style: chr7-128858428-A-T. GRCh37 (hg19) VCF-style: chr7-128498482-A-T.
Other names: c.7984A>T, p.Thr2662Ser (NM_001127487.2); short protein forms T2662S, T2695S.
Identifiers: ClinVar variation 4812720 (VCV004812720.1).